The following is an entry in ClinVar:

NM_012186.3(FOXE3):c.605C>T (p.Pro202Leu)

Genes: FOXE3 (forkhead box E3; plus strand), LINC01389 (long independently transcribed non-coding RNA 1389; minus strand). Cytogenetic location: 1p33.
Variant type: single nucleotide variant.
Coding change: c.605C>T on transcript NM_012186.3 (MANE Select); coding-DNA position 605, C replaced by T.
Protein change: p.Pro202Leu; replaces proline 202 with leucine.
Molecular consequence: missense variant.
Genome position (GRCh38, 1-based): chr1:47,416,920, C>T. VCF-style: chr1-47416920-C-T. GRCh37 (hg19) VCF-style: chr1-47882592-C-T.
Other names: short protein forms P202L.
Identifiers: ClinVar variation 617854 (VCV000617854.8), dbSNP rs745950487, ClinGen allele CA843004.

ClinVar aggregate classification (germline): Uncertain significance. Review status: criteria provided, multiple submitters, no conflicts (2 of 4 stars). 3 submissions from 3 submitters: Uncertain significance (2). 1 of the submissions does not count toward it. Last evaluated 2026-01-13.

Conditions:
Acute aortic dissection. Identifiers: MedGen C0241868.
Congenital aneurysm of ascending aorta (AAT1). Also called: Aortic aneurysm, thoracic; AORTIC ANEURYSM, FAMILIAL THORACIC 1; ANNULOAORTIC ECTASIA; Familial thoracic aortic aneurysm. Identifiers: Orphanet 229, MedGen C0345050, MONDO:0024559, OMIM 607086.
Cardiovascular phenotype. Identifiers: MedGen CN230736.
Congenital primary aphakia. Also called: Anterior segment dysgenesis 2, multiple subtypes; ANTERIOR SEGMENT DYSGENESIS 2. Identifiers: Orphanet 83461, MedGen C1853230, MONDO:0012456, OMIM 610256.
Anterior segment dysgenesis. Also called: Ocular anterior segment dysgenesis. Identifiers: Orphanet 88632, MedGen C1862839, MONDO:0019503, HP:0007700.

Allele frequency attached by ClinVar (database versions not stated): TOPMed 0.00002; gnomAD exomes 0.00003 and 0.00013; gnomAD 0.00004 and 0.00005; ExAC 0.00010.

Submissions (3):

Ambry Genetics
Classification: Uncertain significance for Cardiovascular phenotype. Last evaluated: 2026-01-13. Review status: criteria provided, single submitter. Criteria: Ambry Variant Classification Scheme 2023. Collection method: clinical testing. Allele origin: germline.
Comment: The p.P202L variant (also known as c.605C>T), located in coding exon 1 of the FOXE3 gene, results from a C to T substitution at nucleotide position 605. The proline at codon 202 is replaced by leucine, an amino acid with similar properties. This amino acid position is not well conserved in available vertebrate species. In addition, this alteration is predicted to be tolerated by in silico analysis. Based on the available evidence, the clinical significance of this variant remains unclear.

Labcorp Genetics (formerly Invitae), Labcorp
Classification: Uncertain significance for Anterior segment dysgenesis; Congenital primary aphakia. Last evaluated: 2025-08-17. Review status: criteria provided, single submitter. Criteria: Invitae Variant Classification Sherloc (09022015). Collection method: clinical testing. Allele origin: germline.
Comment: This sequence change replaces proline, which is neutral and non-polar, with leucine, which is neutral and non-polar, at codon 202 of the FOXE3 protein (p.Pro202Leu). This variant is present in population databases (rs745950487, gnomAD 0.1%). This missense change has been observed in individual(s) with familial thoracic aortic aneurysm and/or dissection (PMID: 26854927). ClinVar contains an entry for this variant (Variation ID: 617854). Invitae Evidence Modeling of protein sequence and biophysical properties (such as structural, functional, and spatial information, amino acid conservation, physicochemical variation, residue mobility, and thermodynamic stability) indicates that this missense variant is not expected to disrupt FOXE3 protein function with a negative predictive value of 80%. In summary, the available evidence is currently insufficient to determine the role of this variant in disease. Therefore, it has been classified as a Variant of Uncertain Significance.

University of Washington Center for Mendelian Genomics, University of Washington
Classification: Likely benign for Familial thoracic aortic aneurysms; Acute aortic dissections. Last evaluated: 2016-02-08. Review status: no assertion criteria provided. Collection method: research. Allele origin: unknown. Inheritance: Autosomal dominant inheritance. Not counted in ClinVar's aggregate classification.

Literature cited by the submitters: PubMed 26854927 (cited by Labcorp Genetics (formerly Invitae), Labcorp); PMC 4767350 (cited by University of Washington Center for Mendelian Genomics, University of Washington).